The following is an entry in ClinVar:

NM_006796.3(AFG3L2):c.1981-14T>C

Gene: AFG3L2 (AFG3 like matrix AAA peptidase subunit 2; minus strand). Cytogenetic location: 18p11.21.
Variant type: single nucleotide variant.
Coding change: c.1981-14T>C on transcript NM_006796.3 (MANE Select); 14 bases into the intron before coding-DNA position 1981, T replaced by C.
Molecular consequence: intron variant.
Genome position (GRCh38, 1-based): chr18:12,337,549, A>G on the plus strand (T>C on the coding strand, the complement: AFG3L2 is on the minus strand). VCF-style: chr18-12337549-A-G. GRCh37 (hg19) VCF-style: chr18-12337548-A-G.
Identifiers: ClinVar variation 377451 (VCV000377451.7), dbSNP rs765707984, ClinGen allele CA8896330.

ClinVar aggregate classification (germline): Benign/Likely benign. Review status: criteria provided, multiple submitters, no conflicts (2 of 4 stars). 4 submissions from 4 submitters: Benign (2); Likely benign (2). Last evaluated 2024-05-22.

Allele frequency attached by ClinVar (database versions not stated): gnomAD 0.00002 and 0.00006; gnomAD exomes 0.00004 and 0.00006; TOPMed 0.00005; ExAC 0.00010.
gnomAD v4.1: 71 of 1,613,088 alleles (0.0044%); highest among the groups gnomAD compares: Middle Eastern, 0.2%; 3 homozygotes.

Submissions (4):

Labcorp Genetics (formerly Invitae), Labcorp
Classification: Likely benign. Last evaluated: 2024-05-22. Review status: criteria provided, single submitter. Criteria: Invitae Variant Classification Sherloc (09022015). Collection method: clinical testing. Allele origin: germline.

Blueprint Genetics
Classification: Likely benign. Last evaluated: 2023-04-03. Review status: criteria provided, single submitter. Criteria: ACMG Guidelines, 2015. Collection method: clinical testing. Allele origin: germline.

GeneDx
Classification: Benign. Last evaluated: 2015-08-31. Review status: criteria provided, single submitter. Criteria: GeneDx Variant Classification (06012015). Collection method: clinical testing. Allele origin: germline. Affected: yes.
Comment: This variant is considered likely benign or benign based on one or more of the following criteria: it is a conservative change, it occurs at a poorly conserved position in the protein, it is predicted to be benign by multiple in silico algorithms, and/or has population frequency not consistent with disease.

Breakthrough Genomics
Classification: Benign. Review status: criteria provided, single submitter. Criteria: ACMG Guidelines, 2015. Collection method: not provided. Allele origin: germline. Inheritance: Autosomal recessive inheritance. Affected: yes.